The following is an entry in ClinVar:

ClinVar aggregate classification (germline): Uncertain significance (1 of 4 stars; one submission).

Conditions:
KBG syndrome (KBGS). Also called: ANKRD11-Related KBG Syndrome. Identifiers: Orphanet 2332, MedGen C0220687, MONDO:0007846, OMIM 148050.

Allele frequency attached by ClinVar (database versions not stated): TOPMed below 0.00001; gnomAD 0.00001; gnomAD exomes 0.00001; ExAC 0.00002.
gnomAD v4.1: 20 of 1,614,148 alleles (0.0012%); highest among the groups gnomAD compares: East Asian, 0.036%; no homozygotes.

Submission:

Labcorp Genetics (formerly Invitae), Labcorp
Classification: Uncertain significance for KBG syndrome. Last evaluated: 2022-10-14. Review status: criteria provided, single submitter. Criteria: Invitae Variant Classification Sherloc (09022015). Collection method: clinical testing. Allele origin: germline.
Comment: In summary, the available evidence is currently insufficient to determine the role of this variant in disease. Therefore, it has been classified as a Variant of Uncertain Significance. Advanced modeling of protein sequence and biophysical properties (such as structural, functional, and spatial information, amino acid conservation, physicochemical variation, residue mobility, and thermodynamic stability) performed at Invitae indicates that this missense variant is not expected to disrupt ANKRD11 protein function. This variant has not been reported in the literature in individuals affected with ANKRD11-related conditions. This variant is present in population databases (rs773010718, gnomAD 0.02%). This sequence change replaces glutamic acid, which is acidic and polar, with lysine, which is basic and polar, at codon 1287 of the ANKRD11 protein (p.Glu1287Lys).

NM_013275.6(ANKRD11):c.3859G>A (p.Glu1287Lys)

Gene: ANKRD11 (ankyrin repeat domain 11; minus strand). Cytogenetic location: 16q24.3.
Variant type: single nucleotide variant.
Coding change: c.3859G>A on transcript NM_013275.6 (MANE Select); coding-DNA position 3859, G replaced by A.
Protein change: p.Glu1287Lys; replaces glutamic acid 1287 with lysine.
Molecular consequence: missense variant.
Genome position (GRCh38, 1-based): chr16:89,282,683, C>T on the plus strand (G>A on the coding strand, the complement: ANKRD11 is on the minus strand). VCF-style: chr16-89282683-C-T. GRCh37 (hg19) VCF-style: chr16-89349091-C-T.
Other names: c.3859G>A, p.Glu1287Lys (NM_001256182.2, NM_001256183.2); short protein forms E1287K.
Identifiers: ClinVar variation 2076592 (VCV002076592.4), dbSNP rs773010718, ClinGen allele CA8242275.